The following is an entry in ClinVar:

NM_177972.3(TUB):c.814G>T (p.Asp272Tyr)

Genes: RIC3 (RIC3 acetylcholine receptor chaperone; minus strand), TUB (TUB bipartite transcription factor; plus strand). Cytogenetic location: 11p15.4.
Variant type: single nucleotide variant.
Coding change: c.814G>T on transcript NM_177972.3 (MANE Select); coding-DNA position 814, G replaced by T.
Protein change: p.Asp272Tyr; replaces aspartic acid 272 with tyrosine.
Molecular consequence: missense variant.
Genome position (GRCh38, 1-based): chr11:8,097,354, G>T. VCF-style: chr11-8097354-G-T. GRCh37 (hg19) VCF-style: chr11-8118901-G-T.
Other names: c.979G>T, p.Asp327Tyr (NM_003320.5); short protein forms D327Y, D272Y.
Identifiers: ClinVar variation 1356171 (VCV001356171.8), dbSNP rs1944043311, ClinGen allele CA379568967.

ClinVar aggregate classification (germline): Uncertain significance (1 of 4 stars; one submission).

Submission:

Labcorp Genetics (formerly Invitae), Labcorp
Classification: Uncertain significance. Last evaluated: 2023-03-10. Review status: criteria provided, single submitter. Criteria: Invitae Variant Classification Sherloc (09022015). Collection method: clinical testing. Allele origin: germline.
Comment: In summary, the available evidence is currently insufficient to determine the role of this variant in disease. Therefore, it has been classified as a Variant of Uncertain Significance. An algorithm developed to predict the effect of missense changes on protein structure and function (PolyPhen-2) suggests that this variant is likely to be disruptive. ClinVar contains an entry for this variant (Variation ID: 1356171). This variant has not been reported in the literature in individuals affected with TUB-related conditions. This variant is not present in population databases (gnomAD no frequency). This sequence change replaces aspartic acid, which is acidic and polar, with tyrosine, which is neutral and polar, at codon 327 of the TUB protein (p.Asp327Tyr).